The following is an entry in ClinVar:

NM_000186.4(CFH):c.1382C>T (p.Ser461Phe)

Gene: CFH (complement factor H; plus strand). Cytogenetic location: 1q31.3.
Variant type: single nucleotide variant.
Coding change: c.1382C>T on transcript NM_000186.4 (MANE Select); coding-DNA position 1382, C replaced by T.
Protein change: p.Ser461Phe; replaces serine 461 with phenylalanine.
Molecular consequence: missense variant.
Genome position (GRCh38, 1-based): chr1:196,713,780, C>T. VCF-style: chr1-196713780-C-T. GRCh37 (hg19) VCF-style: chr1-196682910-C-T.
Other names: short protein forms S461F.
Identifiers: ClinVar variation 4291389 (VCV004291389.1).

ClinVar aggregate classification (germline): Uncertain significance (1 of 4 stars; one submission).

Conditions:
Age related macular degeneration 4. Identifiers: MedGen C1853147, MONDO:0012540, OMIM 610698.

Submission:

Genomenon, Inc
Classification: Uncertain significance for Age related macular degeneration 4. Last evaluated: 2025-10-02. Review status: criteria provided, single submitter. Criteria: Genomenon Sequence Variant Interpretation Standards - Updated. Collection method: curation. Allele origin: germline. Affected: yes.
Comment: CFH p.Ser461Phe (c.1382C>T) is a missense variant that changes the amino acid at residue 461 from Serine to Phenylalanine. This variant has been observed in at least one proband affected with age-related macular degeneration (PMID:29686068). It is absent or not present at a significant frequency in gnomAD. In conclusion, we classify CFH p.Ser461Phe (c.1382C>T) as a variant of uncertain significance.

Literature cited by the submitters: PubMed 29686068.